The following is an entry in ClinVar:

NM_001101.5(ACTB):c.1094C>G (p.Ser365Cys)

Gene: ACTB (actin beta; minus strand). Cytogenetic location: 7p22.1.
Variant type: single nucleotide variant.
Coding change: c.1094C>G on transcript NM_001101.5 (MANE Select); coding-DNA position 1094, C replaced by G.
Protein change: p.Ser365Cys; replaces serine 365 with cysteine.
Molecular consequence: missense variant.
Genome position (GRCh38, 1-based): chr7:5,527,782, G>C on the plus strand (C>G on the coding strand, the complement: ACTB is on the minus strand). VCF-style: chr7-5527782-G-C. GRCh37 (hg19) VCF-style: chr7-5567413-G-C.
Other names: short protein forms S365C.
Identifiers: ClinVar variation 3013715 (VCV003013715.3), dbSNP rs2533845801, ClinGen allele CA366698993.

ClinVar aggregate classification (germline): Uncertain significance (1 of 4 stars; one submission).

Conditions:
Baraitser-Winter syndrome 1 (BRWS1). Also called: PACHYGYRIA, MENTAL RETARDATION, EPILEPSY, AND CHARACTERISTIC FACIES; MENTAL RETARDATION WITH EPILEPSY AND CHARACTERISTIC FACIES; Cerebrofrontofacial syndrome; BARAITSER-WINTER SYNDROME 1, ATYPICAL. Identifiers: Orphanet 2649, Orphanet 2995, MedGen C1855722, MONDO:0009470, OMIM 243310.

Allele frequency attached by ClinVar (database versions not stated): gnomAD exomes below 0.00001.
gnomAD v4.1: 1 of 1,614,002 alleles (0.000062%); highest among the groups gnomAD compares: Non-Finnish European, 0.000085%; no homozygotes.

Submission:

Labcorp Genetics (formerly Invitae), Labcorp
Classification: Uncertain significance for Baraitser-Winter syndrome 1. Last evaluated: 2023-05-21. Review status: criteria provided, single submitter. Criteria: Invitae Variant Classification Sherloc (09022015). Collection method: clinical testing. Allele origin: germline.
Comment: This variant is not present in population databases (gnomAD no frequency). This sequence change replaces serine, which is neutral and polar, with cysteine, which is neutral and slightly polar, at codon 365 of the ACTB protein (p.Ser365Cys). This variant has not been reported in the literature in individuals affected with ACTB-related conditions. Advanced modeling of protein sequence and biophysical properties (such as structural, functional, and spatial information, amino acid conservation, physicochemical variation, residue mobility, and thermodynamic stability) performed at Invitae indicates that this missense variant is not expected to disrupt ACTB protein function. In summary, the available evidence is currently insufficient to determine the role of this variant in disease. Therefore, it has been classified as a Variant of Uncertain Significance.